The following is an entry in ClinVar:

NM_147127.5(EVC2):c.1721_1725dup (p.Leu576fs)

Gene: EVC2 (EvC ciliary complex subunit 2; minus strand). Cytogenetic location: 4p16.2.
Variant type: Duplication.
Coding change: c.1721_1725dup on transcript NM_147127.5 (MANE Select); coding-DNA positions 1721 to 1725, 5 bases duplicated (AAGAG; older notation c.1721_1725dupAAGAG).
Protein change: p.Leu576fs; shifts the reading frame from leucine 576.
Molecular consequence: frameshift variant.
Genome position (GRCh38, 1-based): chr4:5,628,720-5,628,724, CTCTT duplicated on the plus strand (AAGAG on the coding strand, the reverse complement: EVC2 is on the minus strand); duplicating any 5 consecutive bases within chr4:5,628,720-5,628,726 gives the same sequence; the c. name uses the placement nearest the transcript's 3' end. VCF-style (leftmost placement, unchanged base first): chr4-5628719-A-ACTCTT. GRCh37 (hg19) VCF-style: chr4-5630446-A-ACTCTT.
Other names: c.1481_1485dup, p.Leu496fs (NM_001166136.2); short protein forms L496fs, L576fs.
Identifiers: ClinVar variation 5012944 (VCV005012944.1).
Genomic context (GRCh38, chr4:5,628,719, plus strand): 5'-CCCTGTGGCCAAATCTTTTACTTAGATGATACCTCTTACTAGCCTGGAAAAAGTCCATTA[A>ACTCTT]CTCTTCTACATTCTCCTGTCAATTAAAAAAAAAAACAAGAAAATATGCCTAATTAAAATT-3'

ClinVar aggregate classification (germline): Pathogenic (1 of 4 stars; one submission).

Conditions:
Ellis-van Creveld syndrome (EVC). Also called: MESOECTODERMAL DYSPLASIA; Chondroectodermal dysplasia. Identifiers: Orphanet 289, MedGen C0013903, MONDO:0009162, OMIM 225500.

Submission:

Myriad Genetics, Inc.
Classification: Pathogenic for Ellis-van Creveld syndrome. Last evaluated: 2024-04-23. Review status: criteria provided, single submitter. Criteria: Myriad Autosomal Dominant, Autosomal Recessive and X-Linked Classification Criteria (2023). Collection method: clinical testing. Allele origin: unknown.
Comment: NM_147127.4(EVC2):c.1721_1725dup5(L576Kfs*3) is expected to be pathogenic in the context of EVC2-related Ellis-van Creveld syndrome. This variant is predicted to lead to an abnormal or absent protein product due to the creation of a premature termination codon in EVC2, a gene where loss-of-function variants are known to be pathogenic. Please note: this variant was assessed in the context of healthy population screening.